The following is an entry in ClinVar:

NM_001692.4(ATP6V1B1):c.1259A>G (p.Tyr420Cys)

Gene: ATP6V1B1 (ATPase H+ transporting V1 subunit B1; plus strand). Cytogenetic location: 2p13.3.
Variant type: single nucleotide variant.
Coding change: c.1259A>G on transcript NM_001692.4 (MANE Select); coding-DNA position 1259, A replaced by G.
Protein change: p.Tyr420Cys; replaces tyrosine 420 with cysteine.
Molecular consequence: missense variant.
Genome position (GRCh38, 1-based): chr2:70,964,746, A>G. VCF-style: chr2-70964746-A-G. GRCh37 (hg19) VCF-style: chr2-71191876-A-G.
Other names: short protein forms Y420C.
Identifiers: ClinVar variation 5006323 (VCV005006323.2).

ClinVar aggregate classification (germline): Uncertain significance (1 of 4 stars; one submission).

Conditions:
Renal tubular acidosis with progressive nerve deafness. Also called: renal tubular acidosis, distal, 2, with progressive sensorineural hearing loss; Distal Renal Tubular Acidosis with Progressive Sensorineural Deafness; RENAL TUBULAR ACIDOSIS, AUTOSOMAL RECESSIVE, WITH PROGRESSIVE NERVE DEAFNESS; RTA WITH PROGRESSIVE NERVE DEAFNESS. Identifiers: MedGen C0403554, MONDO:0009968, OMIM 267300.

gnomAD v4.1: 2 of 1,613,902 alleles (0.00012%); highest among the groups gnomAD compares: South Asian, 0.0011%; no homozygotes.

Submission:

Juno Genomics, Hangzhou Juno Genomics, Inc
Classification: Uncertain significance for Renal tubular acidosis with progressive nerve deafness. Review status: criteria provided, single submitter. Criteria: ACMG Guidelines, 2015. Collection method: clinical testing. Allele origin: germline.
Comment: Absent from controls (or at extremely low frequency if recessive) in Genome Aggregation Database.;Multiple lines of computational evidence support a deleterious effect on the gene or gene product.